The following is an entry in ClinVar:

ClinVar aggregate classification (germline): Uncertain significance. Review status: criteria provided, multiple submitters, no conflicts (2 of 4 stars). 2 submissions from 2 submitters: Uncertain significance (2). Last evaluated 2026-03-15.

Conditions:
Inborn genetic diseases. Identifiers: MedGen C0950123, MeSH D030342.

gnomAD v4.1: 1 of 1,613,368 alleles (0.000062%); highest among the groups gnomAD compares: Non-Finnish European, 0.000085%; no homozygotes.

Submissions (2):

Ambry Genetics
Classification: Uncertain significance for Inborn genetic diseases. Last evaluated: 2026-03-15. Review status: criteria provided, single submitter. Criteria: Ambry Variant Classification Scheme 2023. Collection method: clinical testing. Allele origin: germline.
Comment: The p.Y560C variant (also known as c.1679A>G), located in coding exon 8 of the MBD4 gene, results from an A to G substitution at nucleotide position 1679. The tyrosine at codon 560 is replaced by cysteine, an amino acid with highly dissimilar properties. This amino acid position is conserved. In addition, the in silico prediction for this alteration is inconclusive. Based on the available evidence, the clinical significance of this variant remains unclear.

Labcorp Genetics (formerly Invitae), Labcorp
Classification: Uncertain significance. Last evaluated: 2025-05-20. Review status: criteria provided, single submitter. Criteria: Invitae Variant Classification Sherloc (09022015). Collection method: clinical testing. Allele origin: germline.
Comment: This sequence change replaces tyrosine, which is neutral and polar, with cysteine, which is neutral and slightly polar, at codon 566 of the MBD4 protein (p.Tyr566Cys). This variant is not present in population databases (gnomAD no frequency). This variant has not been reported in the literature in individuals affected with MBD4-related conditions. ClinVar contains an entry for this variant (Variation ID: 2713871). An algorithm developed to predict the effect of missense changes on protein structure and function (PolyPhen-2) suggests that this variant is likely to be disruptive. In summary, the available evidence is currently insufficient to determine the role of this variant in disease. Therefore, it has been classified as a Variant of Uncertain Significance.

NM_001276270.2(MBD4):c.1679A>G (p.Tyr560Cys)

Gene: MBD4 (methyl-CpG binding domain 4, DNA glycosylase; minus strand). Cytogenetic location: 3q21.3.
Variant type: single nucleotide variant.
Coding change: c.1679A>G on transcript NM_001276270.2 (MANE Select); coding-DNA position 1679, A replaced by G.
Protein change: p.Tyr560Cys; replaces tyrosine 560 with cysteine.
Molecular consequence: missense variant. On other transcripts: 3 prime UTR variant (1).
Genome position (GRCh38, 1-based): chr3:129,431,547, T>C on the plus strand (A>G on the coding strand, the complement: MBD4 is on the minus strand). VCF-style: chr3-129431547-T-C. GRCh37 (hg19) VCF-style: chr3-129150390-T-C.
Other names: c.*21A>G (NM_001276272.2); c.743A>G, p.Tyr248Cys (NM_001276273.2); c.1697A>G, p.Tyr566Cys (NM_003925.3); short protein forms Y248C, Y560C, Y566C.
Identifiers: ClinVar variation 2713871 (VCV002713871.4), dbSNP rs2530690906, ClinGen allele CA354464205.
Genomic context (GRCh38, chr3:129,431,547, plus strand): 5'-GAAAGCTGCAGAGTTTAAGATAGACTTAATTTTTCATGATTTTCCCAAAGCCAGTCATGA[T>C]ATTTATTTAATTTGTGGTCTTCAGGGTGCACCTGGAAGAAACATAAGATACAGAGGCAGA-3'
Protein context (NP_001263199.1, residues 550-570): VHPEDHKLNK[Tyr560Cys]HDWLWENHEK